The following is an entry in ClinVar:

ClinVar aggregate classification (germline): Uncertain significance (1 of 4 stars; one submission).

Allele frequency attached by ClinVar (database versions not stated): gnomAD 0.00001.
gnomAD v4.1: 2 of 1,613,644 alleles (0.00012%); highest among the groups gnomAD compares: Non-Finnish European, 0.00017%; no homozygotes.

Submission:

Labcorp Genetics (formerly Invitae), Labcorp
Classification: Uncertain significance. Last evaluated: 2023-11-13. Review status: criteria provided, single submitter. Criteria: Invitae Variant Classification Sherloc (09022015). Collection method: clinical testing. Allele origin: germline.
Comment: This sequence change replaces arginine, which is basic and polar, with tryptophan, which is neutral and slightly polar, at codon 81 of the SLC12A6 protein (p.Arg81Trp). This variant is not present in population databases (gnomAD no frequency). This variant has not been reported in the literature in individuals affected with SLC12A6-related conditions. ClinVar contains an entry for this variant (Variation ID: 1917329). Advanced modeling of protein sequence and biophysical properties (such as structural, functional, and spatial information, amino acid conservation, physicochemical variation, residue mobility, and thermodynamic stability) performed at Invitae indicates that this missense variant is not expected to disrupt SLC12A6 protein function with a negative predictive value of 95%. In summary, the available evidence is currently insufficient to determine the role of this variant in disease. Therefore, it has been classified as a Variant of Uncertain Significance.

NM_001365088.1(SLC12A6):c.241C>T (p.Arg81Trp)

Gene: SLC12A6 (solute carrier family 12 member 6; minus strand). Cytogenetic location: 15q14.
Variant type: single nucleotide variant.
Coding change: c.241C>T on transcript NM_001365088.1 (MANE Select); coding-DNA position 241, C replaced by T.
Protein change: p.Arg81Trp; replaces arginine 81 with tryptophan.
Molecular consequence: missense variant.
Genome position (GRCh38, 1-based): chr15:34,336,440, G>A on the plus strand (C>T on the coding strand, the complement: SLC12A6 is on the minus strand). VCF-style: chr15-34336440-G-A. GRCh37 (hg19) VCF-style: chr15-34628641-G-A.
Other names: c.64C>T, p.Arg22Trp (NM_001042494.2, NM_001042495.2); c.214C>T, p.Arg72Trp (NM_001042496.2); c.241C>T, p.Arg81Trp (NM_001042497.2, NM_133647.2); short protein forms R81W, R22W, R72W.
Identifiers: ClinVar variation 1917329 (VCV001917329.5), dbSNP rs776374992, ClinGen allele CA391621407.